The following is an entry in ClinVar:

ClinVar aggregate classification (germline): Uncertain significance (1 of 4 stars; one submission).

Conditions:
Congenital myasthenic syndrome 10. Also called: Myasthenia, limb-girdle, familial. Identifiers: Orphanet 590, MedGen C1850792, MONDO:0009690, OMIM 254300.
Fetal akinesia deformation sequence 1 (FADS1). Also called: Pena-Shokeir syndrome type I; Fetal akinesia sequence. Identifiers: Orphanet 994, MedGen C1276035, MONDO:0100101, OMIM 208150, HP:0001989.

Allele frequency attached by ClinVar (database versions not stated): gnomAD 0.00004 and 0.00003; TOPMed 0.00003.
gnomAD v4.1: 124 of 1,610,586 alleles (0.0077%); highest among the groups gnomAD compares: Non-Finnish European, 0.0098%; no homozygotes.

Submission:

Labcorp Genetics (formerly Invitae), Labcorp
Classification: Uncertain significance for Congenital myasthenic syndrome 10; Fetal akinesia deformation sequence 1. Last evaluated: 2021-08-31. Review status: criteria provided, single submitter. Criteria: Invitae Variant Classification Sherloc (09022015). Collection method: clinical testing. Allele origin: germline.
Comment: This sequence change replaces proline with alanine at codon 493 of the DOK7 protein (p.Pro493Ala). The proline residue is moderately conserved and there is a small physicochemical difference between proline and alanine. This variant is present in population databases (rs748438470, ExAC 0.002%). This variant has not been reported in the literature in individuals affected with DOK7-related conditions. Algorithms developed to predict the effect of missense changes on protein structure and function output the following: SIFT: "Tolerated"; PolyPhen-2: "Benign"; Align-GVGD: "Class C0". The alanine amino acid residue is found in multiple mammalian species, which suggests that this missense change does not adversely affect protein function. In summary, the available evidence is currently insufficient to determine the role of this variant in disease. Therefore, it has been classified as a Variant of Uncertain Significance.

NM_173660.5(DOK7):c.1477C>G (p.Pro493Ala)

Gene: DOK7 (docking protein 7; plus strand). Cytogenetic location: 4p16.3.
Variant type: single nucleotide variant.
Coding change: c.1477C>G on transcript NM_173660.5 (MANE Select); coding-DNA position 1477, C replaced by G.
Protein change: p.Pro493Ala; replaces proline 493 with alanine.
Molecular consequence: missense variant. On other transcripts: 3 prime UTR variant (1).
Genome position (GRCh38, 1-based): chr4:3,493,463, C>G. VCF-style: chr4-3493463-C-G. GRCh37 (hg19) VCF-style: chr4-3495190-C-G.
Other names: c.*698C>G (NM_001164673.2); c.547C>G, p.Pro183Ala (NM_001256896.2); c.1477C>G, p.Pro493Ala (NM_001301071.2); c.1045C>G, p.Pro349Ala (NM_001363811.2); short protein forms P349A, P493A, P183A.
Identifiers: ClinVar variation 655522 (VCV000655522.6), dbSNP rs748438470, ClinGen allele CA2829542.
Genomic context (GRCh38, chr4:3,493,463, plus strand): 5'-GAGCCCTGGGAAGCAGGCGGCCCCCACGCGGGGCCACCCCCGGCTTTCTTTTCGGCATGT[C>G]CAGTCTGTGGAGGACTCAAGGTAAACCCCCCTCCTTGAGAGCCGCAGATCCCGCCCCGCG-3'
Protein context (NP_775931.3, residues 483-503): GPPPAFFSAC[Pro493Ala]VCGGLKVNPP